The following is an entry in ClinVar:

ClinVar aggregate classification (germline): Uncertain significance (1 of 4 stars; one submission).

Conditions:
Hyperphosphatasia with impaired intellectual development syndrome 2. Also called: Hyperphosphatasia with intellectual disability syndrome 2; GLYCOSYLPHOSPHATIDYLINOSITOL BIOSYNTHESIS DEFECT 6. Identifiers: Orphanet 247262, MedGen C3553637, MONDO:0013882, OMIM 614749.

Submission:

Labcorp Genetics (formerly Invitae), Labcorp
Classification: Uncertain significance for Hyperphosphatasia with impaired intellectual development syndrome 2. Last evaluated: 2020-11-17. Review status: criteria provided, single submitter. Criteria: Invitae Variant Classification Sherloc (09022015). Collection method: clinical testing. Allele origin: germline.
Comment: This variant is not present in population databases (ExAC no frequency). This sequence change replaces serine with threonine at codon 753 of the PIGO protein (p.Ser753Thr). The serine residue is weakly conserved and there is a small physicochemical difference between serine and threonine. This variant has not been reported in the literature in individuals with PIGO-related conditions. Algorithms developed to predict the effect of missense changes on protein structure and function (SIFT, PolyPhen-2, Align-GVGD) all suggest that this variant is likely to be tolerated, but these predictions have not been confirmed by published functional studies and their clinical significance is uncertain. In summary, the available evidence is currently insufficient to determine the role of this variant in disease. Therefore, it has been classified as a Variant of Uncertain Significance.

NM_032634.4(PIGO):c.2257T>A (p.Ser753Thr)

Gene: PIGO (phosphatidylinositol glycan anchor biosynthesis class O; minus strand). Cytogenetic location: 9p13.3.
Variant type: single nucleotide variant.
Coding change: c.2257T>A on transcript NM_032634.4 (MANE Select); coding-DNA position 2257, T replaced by A.
Protein change: p.Ser753Thr; replaces serine 753 with threonine.
Molecular consequence: missense variant. On other transcripts: intron variant (2).
Genome position (GRCh38, 1-based): chr9:35,091,630, A>T on the plus strand (T>A on the coding strand, the complement: PIGO is on the minus strand). VCF-style: chr9-35091630-A-T. GRCh37 (hg19) VCF-style: chr9-35091627-A-T.
Other names: c.1345-339T>A (NM_152850.4, NM_001201484.2); short protein forms S753T.
Identifiers: ClinVar variation 1060405 (VCV001060405.9), dbSNP rs2131074572, ClinGen allele CA373320468.